The following is an entry in ClinVar:

NM_001287.6(CLCN7):c.115G>A (p.Gly39Arg)

Genes: CLCN7 (chloride voltage-gated channel 7; minus strand), LOC130058166 (ATAC-STARR-seq lymphoblastoid silent region 6986; plus strand). Cytogenetic location: 16p13.3.
Variant type: single nucleotide variant.
Coding change: c.115G>A on transcript NM_001287.6 (MANE Select); coding-DNA position 115, G replaced by A.
Protein change: p.Gly39Arg; replaces glycine 39 with arginine.
Molecular consequence: missense variant.
Genome position (GRCh38, 1-based): chr16:1,474,860, C>T on the plus strand (G>A on the coding strand, the complement: CLCN7 is on the minus strand). VCF-style: chr16-1474860-C-T. GRCh37 (hg19) VCF-style: chr16-1524861-C-T.
Other names: c.115G>A, p.Gly39Arg (NM_001114331.3); short protein forms G39R.
Identifiers: ClinVar variation 1717986 (VCV001717986.6), dbSNP rs1488902765, ClinGen allele CA394194021.

ClinVar aggregate classification (germline): Uncertain significance (1 of 4 stars; one submission).

Submission:

Labcorp Genetics (formerly Invitae), Labcorp
Classification: Uncertain significance. Last evaluated: 2023-06-14. Review status: criteria provided, single submitter. Criteria: Invitae Variant Classification Sherloc (09022015). Collection method: clinical testing. Allele origin: germline.
Comment: This sequence change replaces glycine, which is neutral and non-polar, with arginine, which is basic and polar, at codon 39 of the CLCN7 protein (p.Gly39Arg). This variant has not been reported in the literature in individuals affected with CLCN7-related conditions. This variant is not present in population databases (gnomAD no frequency). In summary, the available evidence is currently insufficient to determine the role of this variant in disease. Therefore, it has been classified as a Variant of Uncertain Significance. An algorithm developed to predict the effect of missense changes on protein structure and function (PolyPhen-2) suggests that this variant is likely to be disruptive. ClinVar contains an entry for this variant (Variation ID: 1717986).